The following is an entry in ClinVar:

NM_001039141.3(TRIOBP):c.4567G>A (p.Ala1523Thr)

Gene: TRIOBP (TRIO and F-actin binding protein; plus strand). Cytogenetic location: 22q13.1.
Variant type: single nucleotide variant.
Coding change: c.4567G>A on transcript NM_001039141.3 (MANE Select); coding-DNA position 4567, G replaced by A.
Protein change: p.Ala1523Thr; replaces alanine 1523 with threonine.
Molecular consequence: missense variant.
Genome position (GRCh38, 1-based): chr22:37,734,903, G>A. VCF-style: chr22-37734903-G-A. GRCh37 (hg19) VCF-style: chr22-38130910-G-A.
Other names: short protein forms A1523T.
Identifiers: ClinVar variation 2048331 (VCV002048331.4), dbSNP rs143343534, ClinGen allele CA10224411.

ClinVar aggregate classification (germline): Uncertain significance (1 of 4 stars; one submission).

Allele frequency attached by ClinVar (database versions not stated): 1000 Genomes Project 30x 0.00078; 1000 Genomes Project 0.00100.

Submission:

Labcorp Genetics (formerly Invitae), Labcorp
Classification: Uncertain significance. Last evaluated: 2023-12-07. Review status: criteria provided, single submitter. Criteria: Invitae Variant Classification Sherloc (09022015). Collection method: clinical testing. Allele origin: germline.
Comment: This sequence change replaces alanine, which is neutral and non-polar, with threonine, which is neutral and polar, at codon 1523 of the TRIOBP protein (p.Ala1523Thr). This variant is present in population databases (rs143343534, gnomAD 0.1%). This variant has not been reported in the literature in individuals affected with TRIOBP-related conditions. ClinVar contains an entry for this variant (Variation ID: 2048331). Algorithms developed to predict the effect of missense changes on protein structure and function output the following: SIFT: "Not Available"; PolyPhen-2: "Benign"; Align-GVGD: "Not Available". The threonine amino acid residue is found in multiple mammalian species, which suggests that this missense change does not adversely affect protein function. In summary, the available evidence is currently insufficient to determine the role of this variant in disease. Therefore, it has been classified as a Variant of Uncertain Significance.